The following is an entry in ClinVar:

ClinVar aggregate classification (germline): Uncertain significance. Review status: criteria provided, multiple submitters, no conflicts (2 of 4 stars). 2 submissions from 2 submitters: Uncertain significance (2). Last evaluated 2024-12-29.

Conditions:
Hereditary cancer-predisposing syndrome. Also called: Neoplastic Syndromes, Hereditary; Hereditary neoplastic syndrome; Tumor predisposition; Hereditary Cancer Syndrome. Identifiers: Orphanet 140162, MedGen C0027672, MeSH D009386, MONDO:0015356.
DICER1-related tumor predisposition. Also called: DICER1-related pleuropulmonary blastoma cancer predisposition syndrome; DICER1 syndrome. Identifiers: Orphanet 284343, MedGen C3839822, MONDO:0100216.

gnomAD v4.1: 1 of 1,611,728 alleles (0.000062%); highest among the groups gnomAD compares: South Asian, 0.0011%; no homozygotes.

Submissions (2):

Ambry Genetics
Classification: Uncertain significance for Hereditary cancer-predisposing syndrome. Last evaluated: 2024-12-29. Review status: criteria provided, single submitter. Criteria: Ambry Variant Classification Scheme 2023. Collection method: clinical testing. Allele origin: germline.
Comment: The p.E1444K variant (also known as c.4330G>A), located in coding exon 22 of the DICER1 gene, results from a G to A substitution at nucleotide position 4330. The glutamic acid at codon 1444 is replaced by lysine, an amino acid with similar properties. This amino acid position is conserved. In addition, this alteration is predicted to be deleterious by in silico analysis. Based on the available evidence, the clinical significance of this variant remains unclear.

Labcorp Genetics (formerly Invitae), Labcorp
Classification: Uncertain significance for DICER1-related tumor predisposition. Last evaluated: 2024-05-29. Review status: criteria provided, single submitter. Criteria: Invitae Variant Classification Sherloc (09022015). Collection method: clinical testing. Allele origin: germline.
Comment: This sequence change replaces glutamic acid, which is acidic and polar, with lysine, which is basic and polar, at codon 1444 of the DICER1 protein (p.Glu1444Lys). This variant is present in population databases (no rsID available, gnomAD 0.003%). This variant has not been reported in the literature in individuals affected with DICER1-related conditions. An algorithm developed to predict the effect of missense changes on protein structure and function (PolyPhen-2) suggests that this variant is likely to be disruptive. Algorithms developed to predict the effect of sequence changes on RNA splicing suggest that this variant may create or strengthen a splice site. In summary, the available evidence is currently insufficient to determine the role of this variant in disease. Therefore, it has been classified as a Variant of Uncertain Significance.

NM_177438.3(DICER1):c.4330G>A (p.Glu1444Lys)

Gene: DICER1 (dicer 1, ribonuclease III; minus strand). Cytogenetic location: 14q32.13.
Variant type: single nucleotide variant.
Coding change: c.4330G>A on transcript NM_177438.3 (MANE Select); coding-DNA position 4330, G replaced by A.
Protein change: p.Glu1444Lys; replaces glutamic acid 1444 with lysine.
Molecular consequence: missense variant. On other transcripts: non-coding transcript variant (6).
Genome position (GRCh38, 1-based): chr14:95,096,590, C>T on the plus strand (G>A on the coding strand, the complement: DICER1 is on the minus strand). VCF-style: chr14-95096590-C-T. GRCh37 (hg19) VCF-style: chr14-95562927-C-T.
Other names: c.4330G>A, p.Glu1444Lys (NM_001195573.1, NM_001271282.3, NM_001291628.2 and 12 more transcripts); c.4048G>A, p.Glu1350Lys (NM_001395686.1); c.3925G>A, p.Glu1309Lys (NM_001395687.1, NM_001395688.1, NM_001395689.1 and 2 more transcripts); c.3763G>A, p.Glu1255Lys (NM_001395691.1); c.2647G>A, p.Glu883Lys (NM_001395697.1); short protein forms E1309K, E1255K, E883K, E1350K, E1444K.
Identifiers: ClinVar variation 3654984 (VCV003654984.3).
Genomic context (GRCh38, chr14:95,096,590, plus strand): 5'-CAAAAGCTCCTGACCCCATTAACATATTATCTATAAATCTGATATGTTCCTGATCATACT[C>T]CAGGAAATCATCTTCATAGTCAGCCTCTTCCTTCGGAGCCCTCCACATCAGGCTCTCCTC-3'
Protein context (NP_803187.1, residues 1434-1454): EEADYEDDFL[Glu1444Lys]YDQEHIRFID